The following is an entry in ClinVar:

ClinVar aggregate classification (germline): Uncertain significance (1 of 4 stars; one submission).

Conditions:
IL1RAPL1-related disorder. Also called: IL1RAPL1-related condition.

Allele frequency attached by ClinVar (database versions not stated): gnomAD exomes below 0.00001; gnomAD 0.00001; TOPMed 0.00001.
gnomAD v4.1: 3 of 1,209,577 alleles (0.00025%); highest among the groups gnomAD compares: Non-Finnish European, 0.00034%; no homozygotes.

Submission:

PreventionGenetics, part of Exact Sciences
Classification: Uncertain significance for IL1RAPL1-related condition. Last evaluated: 2023-07-02. Review status: criteria provided, single submitter. Criteria: ACMG Guidelines, 2015. Collection method: clinical testing. Allele origin: germline.
Comment: The IL1RAPL1 c.1570G>A variant is predicted to result in the amino acid substitution p.Val524Met. To our knowledge, this variant has not been reported in the literature or in a large population database, indicating this variant is rare. At this time, the clinical significance of this variant is uncertain due to the absence of conclusive functional and genetic evidence.

NM_014271.4(IL1RAPL1):c.1570G>A (p.Val524Met)

Gene: IL1RAPL1 (interleukin 1 receptor accessory protein like 1; plus strand). Cytogenetic location: Xp21.2.
Variant type: single nucleotide variant.
Coding change: c.1570G>A on transcript NM_014271.4 (MANE Select); coding-DNA position 1570, G replaced by A.
Protein change: p.Val524Met; replaces valine 524 with methionine.
Molecular consequence: missense variant.
Genome position (GRCh38, 1-based): chrX:29,955,299, G>A. VCF-style: chrX-29955299-G-A. GRCh37 (hg19) VCF-style: chrX-29973416-G-A.
Other names: short protein forms V524M.
Identifiers: ClinVar variation 2632348 (VCV002632348.1), dbSNP rs1258277379, ClinGen allele CA412634539.